The following is an entry in ClinVar:

NM_004035.7(ACOX1):c.1107+2T>C

Gene: ACOX1 (acyl-CoA oxidase 1; minus strand). Cytogenetic location: 17q25.1.
Variant type: single nucleotide variant.
Coding change: c.1107+2T>C on transcript NM_004035.7 (MANE Select); the canonical splice donor site of the intron after coding-DNA position 1107, T replaced by C.
Molecular consequence: splice donor variant.
Genome position (GRCh38, 1-based): chr17:75,951,413, A>G on the plus strand (T>C on the coding strand, the complement: ACOX1 is on the minus strand). VCF-style: chr17-75951413-A-G. GRCh37 (hg19) VCF-style: chr17-73947494-A-G.
Other names: c.1107+2T>C (NM_007292.6); c.993+2T>C (NM_001185039.2).
Identifiers: ClinVar variation 4815326 (VCV004815326.1).

ClinVar aggregate classification (germline): Likely pathogenic (1 of 4 stars; one submission).

Conditions:
Acyl-CoA oxidase deficiency. Also called: Peroxisomal acyl-CoA oxidase deficiency; STRAIGHT-CHAIN ACYL-CoA OXIDASE DEFICIENCY; Pseudoneonatal adrenoleukodystrophy. Identifiers: Orphanet 2971, MedGen C1849678, MONDO:0009919, OMIM 264470. Disease mechanism: loss of function.

Submission:

Natera, Inc.
Classification: Likely pathogenic for Peroxisomal acyl-CoA oxidase deficiency. Last evaluated: 2025-10-13. Review status: criteria provided, single submitter. Criteria: Natera Variant Classification Schema (03/2026). Collection method: clinical testing. Allele origin: germline.
Comment: The c.1107+2T>C variant in ACOX1 is a canonical splice donor site variant predicted to affect pre-mRNA splicing, which may result in an abnormal transcript and altered protein product. This variant is expected to result in nonsense mediated decay, truncation, or a dysfunctional protein product. This variant is rare in the general population with a frequency below the threshold expected for the associated phenotype(s). Given the available evidence, this variant is classified as Likely Pathogenic.